The following is an entry in ClinVar:

NM_014845.6(FIG4):c.1571C>T (p.Thr524Ile)

Gene: FIG4 (FIG4 phosphoinositide 5-phosphatase; plus strand). Cytogenetic location: 6q21.
Variant type: single nucleotide variant.
Coding change: c.1571C>T on transcript NM_014845.6 (MANE Select); coding-DNA position 1571, C replaced by T.
Protein change: p.Thr524Ile; replaces threonine 524 with isoleucine.
Molecular consequence: missense variant.
Genome position (GRCh38, 1-based): chr6:109,765,149, C>T. VCF-style: chr6-109765149-C-T. GRCh37 (hg19) VCF-style: chr6-110086352-C-T.
Other names: short protein forms T524I.
Identifiers: ClinVar variation 1997851 (VCV001997851.4), dbSNP rs1378220574, ClinGen allele CA365228077.

ClinVar aggregate classification (germline): Uncertain significance (1 of 4 stars; one submission).

Conditions:
Charcot-Marie-Tooth disease type 4. Also called: Charcot-Marie-Tooth disease, type IV; Charcot-Marie-Tooth, Type 4. Identifiers: Orphanet 64749, MedGen C4082197, MONDO:0018995.

Allele frequency attached by ClinVar (database versions not stated): gnomAD exomes below 0.00001.
gnomAD v4.1: 1 of 1,613,948 alleles (0.000062%); highest among the groups gnomAD compares: Admixed American, 0.0017%; no homozygotes.

Submission:

Labcorp Genetics (formerly Invitae), Labcorp
Classification: Uncertain significance for Charcot-Marie-Tooth disease type 4. Last evaluated: 2022-05-22. Review status: criteria provided, single submitter. Criteria: Invitae Variant Classification Sherloc (09022015). Collection method: clinical testing. Allele origin: germline.
Comment: In summary, the available evidence is currently insufficient to determine the role of this variant in disease. Therefore, it has been classified as a Variant of Uncertain Significance. Algorithms developed to predict the effect of missense changes on protein structure and function are either unavailable or do not agree on the potential impact of this missense change (SIFT: "Deleterious"; PolyPhen-2: "Probably Damaging"; Align-GVGD: "Class C15"). This variant has not been reported in the literature in individuals affected with FIG4-related conditions. This variant is present in population databases (no rsID available, gnomAD 0.003%). This sequence change replaces threonine, which is neutral and polar, with isoleucine, which is neutral and non-polar, at codon 524 of the FIG4 protein (p.Thr524Ile).